The following is an entry in ClinVar:

NM_024426.6(WT1):c.266C>G (p.Pro89Arg)

Genes: WT1 (WT1 transcription factor; minus strand), LOC107982234 (WT1/WT1-AS bi-directional promoter region; plus strand). Cytogenetic location: 11p13.
Variant type: single nucleotide variant.
Coding change: c.266C>G on transcript NM_024426.6 (MANE Select); coding-DNA position 266, C replaced by G.
Protein change: p.Pro89Arg; replaces proline 89 with arginine.
Molecular consequence: missense variant. On other transcripts: non-coding transcript variant (2).
Genome position (GRCh38, 1-based): chr11:32,435,095, G>C on the plus strand (C>G on the coding strand, the complement: WT1 is on the minus strand). VCF-style: chr11-32435095-G-C. GRCh37 (hg19) VCF-style: chr11-32456641-G-C.
Other names: c.266C>G, p.Pro89Arg (NM_000378.6, NM_001407044.1, NM_001407045.1 and 6 more transcripts); c.47C>G, p.Pro16Arg (NM_001429031.1, NM_001429032.1, NM_001429033.1 and 1 more transcripts); c.251C>G, p.Pro84Arg (NM_024425.2); short protein forms P16R, P84R, P89R.
Identifiers: ClinVar variation 3070218 (VCV003070218.1), dbSNP rs1853465019, ClinGen allele CA379966039.

ClinVar aggregate classification (germline): Uncertain significance (1 of 4 stars; one submission).

Conditions:
Wilms tumor 1 (WT1). Also called: Wilms tumor, somatic. Identifiers: Orphanet 654, MedGen CN033288, MONDO:0008679, OMIM 194070.

Submission:

All of Us Research Program, National Institutes of Health
Classification: Uncertain significance for Wilms tumor 1. Last evaluated: 2023-04-03. Review status: criteria provided, single submitter. Criteria: ACMG Guidelines, 2015. Collection method: clinical testing. Allele origin: germline. Inheritance: Autosomal dominant inheritance. Observed: 1 variant allele, 1 heterozygote.
Comment: This missense variant replaces proline with arginine at codon 84 of the WT1 protein. Computational prediction suggests that this variant may not impact protein structure and function (internally defined REVEL score threshold <= 0.5, PMID: 27666373). To our knowledge, functional studies have not been reported for this variant. This variant has not been reported in individuals affected with WT1-related disorders in the literature. This variant has not been identified in the general population by the Genome Aggregation Database (gnomAD). The available evidence is insufficient to determine the role of this variant in disease conclusively. Therefore, this variant is classified as a Variant of Uncertain Significance.

This study involves interpretation of variants in research participants for the purpose of population health screening. Participant phenotype was not available at the time of variant classification. Additional details can be found in publication PMID: 35346344, PMCID: PMC8962531